The following is an entry in ClinVar:

NM_014855.3(AP5Z1):c.535C>T (p.Arg179Trp)

Gene: AP5Z1 (adaptor related protein complex 5 subunit zeta 1; plus strand). Cytogenetic location: 7p22.1.
Variant type: single nucleotide variant.
Coding change: c.535C>T on transcript NM_014855.3 (MANE Select); coding-DNA position 535, C replaced by T.
Protein change: p.Arg179Trp; replaces arginine 179 with tryptophan.
Molecular consequence: missense variant. On other transcripts: non-coding transcript variant (1).
Genome position (GRCh38, 1-based): chr7:4,783,712, C>T. VCF-style: chr7-4783712-C-T. GRCh37 (hg19) VCF-style: chr7-4823343-C-T.
Other names: c.67C>T, p.Arg23Trp (NM_001364858.1); short protein forms R179W, R23W.
Identifiers: ClinVar variation 909789 (VCV000909789.7), dbSNP rs1040399898, ClinGen allele CA153020291.

ClinVar aggregate classification (germline): Uncertain significance. Review status: criteria provided, multiple submitters, no conflicts (2 of 4 stars). 2 submissions from 2 submitters: Uncertain significance (2). Last evaluated 2024-05-21.

Conditions:
Hereditary spastic paraplegia 48. Also called: Spastic paraplegia 48; SPASTIC PARAPLEGIA 48, AUTOSOMAL RECESSIVE. Identifiers: Orphanet 306511, MedGen C3150901, MONDO:0013342, OMIM 613647.

Allele frequency attached by ClinVar (database versions not stated): gnomAD 0.00005; TOPMed 0.00007.

Submissions (2):

Labcorp Genetics (formerly Invitae), Labcorp
Classification: Uncertain significance for Hereditary spastic paraplegia 48. Last evaluated: 2024-05-21. Review status: criteria provided, single submitter. Criteria: Invitae Variant Classification Sherloc (09022015). Collection method: clinical testing. Allele origin: germline.
Comment: This sequence change replaces arginine, which is basic and polar, with tryptophan, which is neutral and slightly polar, at codon 179 of the AP5Z1 protein (p.Arg179Trp). This variant is present in population databases (no rsID available, gnomAD 0.02%). This missense change has been observed in individual(s) with AP5Z1-related conditions (PMID: 24833714). ClinVar contains an entry for this variant (Variation ID: 909789). Advanced modeling of protein sequence and biophysical properties (such as structural, functional, and spatial information, amino acid conservation, physicochemical variation, residue mobility, and thermodynamic stability) has been performed at Invitae for this missense variant, however the output from this modeling did not meet the statistical confidence thresholds required to predict the impact of this variant on AP5Z1 protein function. In summary, the available evidence is currently insufficient to determine the role of this variant in disease. Therefore, it has been classified as a Variant of Uncertain Significance.

Illumina Laboratory Services, Illumina
Classification: Uncertain significance for Hereditary spastic paraplegia 48. Last evaluated: 2018-01-12. Review status: criteria provided, single submitter. Criteria: ICSL Variant Classification Criteria 13 December 2019. Collection method: clinical testing. Allele origin: germline.

Literature cited by the submitters: PubMed 24833714 (cited by Labcorp Genetics (formerly Invitae), Labcorp).